The following is an entry in ClinVar:

NM_024537.4(CARS2):c.920-169C>T

Gene: CARS2 (cysteinyl-tRNA synthetase 2, mitochondrial; minus strand). Cytogenetic location: 13q34.
Variant type: single nucleotide variant.
Coding change: c.920-169C>T on transcript NM_024537.4 (MANE Select); 169 bases into the intron before coding-DNA position 920, C replaced by T.
Molecular consequence: intron variant. On other transcripts: 3 prime UTR variant (1).
Genome position (GRCh38, 1-based): chr13:110,663,687, G>A on the plus strand (C>T on the coding strand, the complement: CARS2 is on the minus strand). VCF-style: chr13-110663687-G-A. GRCh37 (hg19) VCF-style: chr13-111316034-G-A.
Other names: c.*223C>T (NM_001352253.3); c.134-169C>T (NM_001352252.2).
Identifiers: ClinVar variation 673115 (VCV000673115.1), dbSNP rs141762931, ClinGen allele CA256332254.
Genomic context (GRCh38, chr13:110,663,687, plus strand): 5'-ATAGACCAGTGTATGTTGGTATAAATCTGCCCCCAAATCTTCACCCGTGCTGGGCCTTCC[G>A]GGAAGACAGGACCTGCCCTTGTTCCACGGTGCAGGGACACCCAGCCCCACACTGAGAGCA-3'

ClinVar aggregate classification (germline): Likely benign (1 of 4 stars; one submission).

Allele frequency attached by ClinVar (database versions not stated): gnomAD exomes 0.00044; 1000 Genomes Project 0.00200; 1000 Genomes Project 30x 0.00265; gnomAD 0.00371 and 0.00404; TOPMed 0.00434.
gnomAD v4.1: 1,128 of 1,398,008 alleles (0.081%); highest among the groups gnomAD compares: African/African-American, 1.3%; 3 homozygotes.

Submission:

GeneDx
Classification: Likely benign. Last evaluated: 2018-06-14. Review status: criteria provided, single submitter. Criteria: GeneDx Variant Classification (06012015). Collection method: clinical testing. Allele origin: germline. Affected: yes.
Comment: This variant is considered likely benign or benign based on one or more of the following criteria: it is a conservative change, it occurs at a poorly conserved position in the protein, it is predicted to be benign by multiple in silico algorithms, and/or has population frequency not consistent with disease.